The following is an entry in ClinVar:

ClinVar aggregate classification (germline): Uncertain significance (1 of 4 stars; one submission).

Allele frequency attached by ClinVar (database versions not stated): TOPMed below 0.00001; gnomAD 0.00001; gnomAD exomes 0.00005.
gnomAD v4.1: 72 of 1,612,338 alleles (0.0045%); highest among the groups gnomAD compares: Non-Finnish European, 0.006%; no homozygotes.

Submission:

Labcorp Genetics (formerly Invitae), Labcorp
Classification: Uncertain significance. Last evaluated: 2023-08-17. Review status: criteria provided, single submitter. Criteria: Invitae Variant Classification Sherloc (09022015). Collection method: clinical testing. Allele origin: germline.
Comment: An algorithm developed to predict the effect of missense changes on protein structure and function (PolyPhen-2) suggests that this variant is likely to be tolerated. In summary, the available evidence is currently insufficient to determine the role of this variant in disease. Therefore, it has been classified as a Variant of Uncertain Significance. This variant has not been reported in the literature in individuals affected with TBXA2R-related conditions. This variant is not present in population databases (gnomAD no frequency). This sequence change replaces glutamic acid, which is acidic and polar, with alanine, which is neutral and non-polar, at codon 20 of the TBXA2R protein (p.Glu20Ala).

NM_001060.6(TBXA2R):c.59A>C (p.Glu20Ala)

Gene: TBXA2R (thromboxane A2 receptor; minus strand). Cytogenetic location: 19p13.3.
Variant type: single nucleotide variant.
Coding change: c.59A>C on transcript NM_001060.6 (MANE Select); coding-DNA position 59, A replaced by C.
Protein change: p.Glu20Ala; replaces glutamic acid 20 with alanine.
Molecular consequence: missense variant.
Genome position (GRCh38, 1-based): chr19:3,600,576, T>G on the plus strand (A>C on the coding strand, the complement: TBXA2R is on the minus strand). VCF-style: chr19-3600576-T-G. GRCh37 (hg19) VCF-style: chr19-3600574-T-G.
Other names: c.59A>C, p.Glu20Ala (NM_201636.3); short protein forms E20A.
Identifiers: ClinVar variation 2899397 (VCV002899397.3), dbSNP rs200765658, ClinGen allele CA304368953.